The following is an entry in ClinVar:

NM_000330.4(RS1):c.184+2T>G

Gene: RS1 (retinoschisin 1; minus strand). Cytogenetic location: Xp22.13.
Variant type: single nucleotide variant.
Coding change: c.184+2T>G on transcript NM_000330.4 (MANE Select); the canonical splice donor site of the intron after coding-DNA position 184, T replaced by G.
Molecular consequence: splice donor variant.
Genome position (GRCh38, 1-based): chrX:18,656,651, A>C on the plus strand (T>G on the coding strand, the complement: RS1 is on the minus strand). VCF-style: chrX-18656651-A-C. GRCh37 (hg19) VCF-style: chrX-18674771-A-C.
Identifiers: ClinVar variation 449510 (VCV000449510.2), dbSNP rs1555959367, ClinGen allele CA412375959.

ClinVar aggregate classification (germline): Pathogenic (1 of 4 stars; one submission).

Submission:

GeneDx
Classification: Pathogenic. Last evaluated: 2016-06-20. Review status: criteria provided, single submitter. Criteria: GeneDx Variant Classification (06012015). Collection method: clinical testing. Allele origin: germline. Affected: yes.
Comment: The c.184+2 T>G splice site variant in the RS1 gene has been previously reported in association with X-linked juvenile retinoschisis (Vincent et al., 2013). This pathogenic variant destroys the canonical splice donor site in intron 3, and is expected to cause abnormal gene splicing. The c.184+2 T>G variant was not observed in approximately 6,500 individuals of European and African American ancestry in the NHLBI Exome Sequencing Project, indicating it is not a common benign variant in these populations.